The following is an entry in ClinVar:

NM_130849.4(SLC39A4):c.1397dup (p.His466fs)

Gene: SLC39A4 (solute carrier family 39 member 4; minus strand). Cytogenetic location: 8q24.3.
Variant type: Duplication.
Coding change: c.1397dup on transcript NM_130849.4 (MANE Select); coding-DNA position 1397, one base duplicated (A; older notation c.1397dupA).
Protein change: p.His466fs; shifts the reading frame from histidine 466.
Molecular consequence: frameshift variant.
Genome position (GRCh38, 1-based): chr8:144,413,772, T duplicated on the plus strand (A on the coding strand, the reverse complement: SLC39A4 is on the minus strand). VCF-style (leftmost placement, unchanged base first): chr8-144413771-G-GT. GRCh37 (hg19) VCF-style: chr8-145639155-G-GT.
Other names: c.1115dup, p.His372fs (NM_001374839.1); c.1322dup, p.His441fs (NM_017767.3); short protein forms H466fs, H372fs, H441fs.
Identifiers: ClinVar variation 2118724 (VCV002118724.4), dbSNP rs2537429585, ClinGen allele CA2580078696.

ClinVar aggregate classification (germline): Pathogenic (1 of 4 stars; one submission).

Submission:

Labcorp Genetics (formerly Invitae), Labcorp
Classification: Pathogenic. Last evaluated: 2022-03-28. Review status: criteria provided, single submitter. Criteria: Invitae Variant Classification Sherloc (09022015). Collection method: clinical testing. Allele origin: germline.
Comment: This variant is not present in population databases (gnomAD no frequency). This sequence change creates a premature translational stop signal (p.His466Glnfs*20) in the SLC39A4 gene. It is expected to result in an absent or disrupted protein product. Loss-of-function variants in SLC39A4 are known to be pathogenic (PMID: 12955721). This variant has not been reported in the literature in individuals affected with SLC39A4-related conditions. For these reasons, this variant has been classified as Pathogenic.

Literature cited by the submitters: PubMed 12955721.